The following is an entry in ClinVar:

ClinVar aggregate classification (germline): Pathogenic/Likely pathogenic. Review status: criteria provided, multiple submitters, no conflicts (2 of 4 stars). 3 submissions from 3 submitters: Pathogenic (1); Likely pathogenic (2). Last evaluated 2024-07-29.

Conditions:
Glaucoma 3A. Also called: Glaucoma 3, primary congenital, A. Identifiers: Orphanet 98976, Orphanet 98977, MedGen C1856439, MONDO:0009277, OMIM 231300.
Primary congenital glaucoma. Also called: Primary congenital glaucoma (disease). Identifiers: MedGen C1533041, MONDO:0000365, HP:0008007.
CYP1B1-related disorder. Also called: CYP1B1-Related Disorders. Identifiers: MedGen CN239260.

Submissions (3):

Women's Health and Genetics/Laboratory Corporation of America, LabCorp
Classification: Likely pathogenic for Primary congenital glaucoma. Last evaluated: 2024-07-29. Review status: criteria provided, single submitter. Criteria: LabCorp Variant Classification Summary - May 2015. Collection method: clinical testing. Allele origin: germline.
Comment: Variant summary: CYP1B1 c.1333T>A (p.Phe445Ile) results in a non-conservative amino acid change in the encoded protein sequence. Five of five in-silico tools predict a damaging effect of the variant on protein function. The variant was absent in 251460 control chromosomes. c.1333T>A has been reported in the literature in two homozygous individuals affected with Primary Congenital Glaucoma (Sivadorai_2008, Franco_2024). These data indicate that the variant is likely to be associated with disease. To our knowledge, no experimental evidence demonstrating an impact on protein function has been reported. The following publications have been ascertained in the context of this evaluation (PMID: 37788597, 18537981). ClinVar contains an entry for this variant (Variation ID: 3236697). Based on the evidence outlined above, the variant was classified as likely pathogenic.

Blueprint Genetics
Classification: Likely pathogenic for CYP1B1-related disorders. Last evaluated: 2018-11-05. Review status: criteria provided, single submitter. Criteria: ACMG Guidelines, 2015. Collection method: clinical testing. Allele origin: germline. Affected: yes. Observed: 1 variant allele.

Moosajee Lab, UCL Institute of Ophthalmology
Classification: Pathogenic for Glaucoma 3A. Review status: criteria provided, single submitter. Criteria: ACMG Guidelines, 2015. Collection method: clinical testing. Allele origin: inherited. Inheritance: Autosomal recessive inheritance. Affected: yes. Observed: 1 homozygote. Study: Genomics England 100,000 Genomes Project.

Literature cited by the submitters: PubMed 37788597 (cited by Women's Health and Genetics/Laboratory Corporation of America, LabCorp); PubMed 18537981 (cited by Women's Health and Genetics/Laboratory Corporation of America, LabCorp); DOI 10.1186/s12864-024-10353-8 (cited by Moosajee Lab, UCL Institute of Ophthalmology).

NM_000104.4(CYP1B1):c.1333T>A (p.Phe445Ile)

Genes: CYP1B1 (cytochrome P450 family 1 subfamily B member 1; minus strand), LOC128772254 (melanoma risk locus-associated MPRA allelic enhancer 2:38298139; plus strand). Cytogenetic location: 2p22.2.
Variant type: single nucleotide variant.
Coding change: c.1333T>A on transcript NM_000104.4 (MANE Select); coding-DNA position 1333, T replaced by A.
Protein change: p.Phe445Ile; replaces phenylalanine 445 with isoleucine.
Molecular consequence: missense variant.
Genome position (GRCh38, 1-based): chr2:38,071,021, A>T on the plus strand (T>A on the coding strand, the complement: CYP1B1 is on the minus strand). VCF-style: chr2-38071021-A-T. GRCh37 (hg19) VCF-style: chr2-38298164-A-T.
Other names: short protein forms F445I.
Identifiers: ClinVar variation 3236697 (VCV003236697.4), dbSNP rs148233007, ClinGen allele CA346327383.
Genomic context (GRCh38, chr2:38,071,021, plus strand): 5'-CTGAAAAAATCATCACTCTGCTGGTCAGGTCCTTGTTGATGAGGCCATCCTTGTCCAAGA[A>T]TCGAGCTGGATCAAAGTTCTCCGGGTTAGGCCACTTCAGTGGGTCATGATTCACAGACCA-3'
Protein context (NP_000095.2, residues 435-455): PNPENFDPAR[Phe445Ile]LDKDGLINKD